The following is an entry in ClinVar:

NM_002473.6(MYH9):c.3624G>A (p.Thr1208=)

Gene: MYH9 (myosin heavy chain 9; minus strand). Cytogenetic location: 22q12.3.
Variant type: single nucleotide variant.
Coding change: c.3624G>A on transcript NM_002473.6 (MANE Select); coding-DNA position 3624, G replaced by A.
Protein change: p.Thr1208=; no amino-acid change (threonine 1208 retained).
Molecular consequence: synonymous variant.
Genome position (GRCh38, 1-based): chr22:36,294,938, C>T on the plus strand (G>A on the coding strand, the complement: MYH9 is on the minus strand). VCF-style: chr22-36294938-C-T. GRCh37 (hg19) VCF-style: chr22-36690984-C-T.
Identifiers: ClinVar variation 2960525 (VCV002960525.6), dbSNP rs540687260, ClinGen allele CA10209633.

ClinVar aggregate classification (germline): Benign/Likely benign. Review status: criteria provided, multiple submitters, no conflicts (2 of 4 stars). 4 submissions from 4 submitters: Benign (1); Likely benign (3). Last evaluated 2026-01-09.

Conditions:
MYH9-related disorder. Identifiers: MedGen C1854520.

Allele frequency attached by ClinVar (database versions not stated): TOPMed below 0.00001; gnomAD 0.00001; gnomAD exomes 0.00002; ExAC 0.00003; 1000 Genomes Project 30x 0.00016; 1000 Genomes Project 0.00020.
gnomAD v4.1: 33 of 1,613,360 alleles (0.002%); highest among the groups gnomAD compares: East Asian, 0.029%; no homozygotes.

Submissions (4):

Women's Health and Genetics/Laboratory Corporation of America, LabCorp
Classification: Likely benign. Last evaluated: 2026-01-09. Review status: criteria provided, single submitter. Criteria: LabCorp Variant Classification Summary - May 2015. Collection method: clinical testing. Allele origin: germline.

Labcorp Genetics (formerly Invitae), Labcorp
Classification: Benign. Last evaluated: 2025-09-25. Review status: criteria provided, single submitter. Criteria: Invitae Variant Classification Sherloc (09022015). Collection method: clinical testing. Allele origin: germline.

PreventionGenetics, part of Exact Sciences
Classification: Likely benign for MYH9-related condition. Last evaluated: 2025-07-30. Review status: criteria provided, single submitter. Criteria: ACMG Guidelines, 2015. Collection method: clinical testing. Allele origin: germline.
Comment: This variant is classified as likely benign based on ACMG/AMP sequence variant interpretation guidelines (Richards et al. 2015 PMID: 25741868, with internal and published modifications).

Blueprint Genetics
Classification: Likely benign. Last evaluated: 2024-07-05. Review status: criteria provided, single submitter. Criteria: ACMG Guidelines, 2015. Collection method: clinical testing. Allele origin: germline.